The following is an entry in ClinVar:

NM_000059.4(BRCA2):c.67+8C>A

Gene: BRCA2 (BRCA2 DNA repair associated; plus strand). Cytogenetic location: 13q13.1.
Variant type: single nucleotide variant.
Coding change: c.67+8C>A on transcript NM_000059.4 (MANE Select); 8 bases into the intron after coding-DNA position 67, C replaced by A.
Molecular consequence: intron variant.
Genome position (GRCh38, 1-based): chr13:32,316,535, C>A. VCF-style: chr13-32316535-C-A. GRCh37 (hg19) VCF-style: chr13-32890672-C-A.
Identifiers: ClinVar variation 531536 (VCV000531536.15), dbSNP rs774714454, ClinGen allele CA6940306.

ClinVar aggregate classification (germline): Benign/Likely benign. Review status: criteria provided, multiple submitters, no conflicts (2 of 4 stars). 5 submissions from 5 submitters: Benign (1); Likely benign (4). Last evaluated 2026-06-23.

Conditions:
Hereditary breast ovarian cancer syndrome. Also called: BRCA1- and BRCA2-Associated Hereditary Breast and Ovarian Cancer; Hereditary breast and ovarian cancer syndrome; Hereditary breast and/or ovarian cancer syndrome; Breast and ovarian cancer; Hereditary breast and ovarian cancer syndrome (HBOC); Hereditary breast and ovarian cancer. Identifiers: Orphanet 145, MedGen C0677776, MeSH D061325, MONDO:0003582. Disease mechanism: loss of function.
Breast-ovarian cancer, familial, susceptibility to, 2 (BROVCA2). Also called: BRCA2 Hereditary Breast and Ovarian Cancer. Identifiers: Orphanet 145, MedGen C2675520, MONDO:0012933, OMIM 612555. Disease mechanism: loss of function.
Hereditary cancer-predisposing syndrome. Also called: Neoplastic Syndromes, Hereditary; Hereditary Cancer Syndrome; Hereditary neoplastic syndrome; Tumor predisposition. Identifiers: Orphanet 140162, MedGen C0027672, MeSH D009386, MONDO:0015356.

Allele frequency attached by ClinVar (database versions not stated): gnomAD exomes below 0.00001; ExAC 0.00001.
gnomAD v4.1: 4 of 1,610,494 alleles (0.00025%); highest among the groups gnomAD compares: Non-Finnish European, 0.00034%; no homozygotes.

Submissions (5):

Myriad Genetics, Inc.
Classification: Benign for Breast-ovarian cancer, familial, susceptibility to, 2. Last evaluated: 2026-06-23. Review status: criteria provided, single submitter. Criteria: Myriad Autosomal Dominant, Autosomal Recessive and X-Linked Classification Criteria (2023). Collection method: clinical testing. Allele origin: unknown.
Comment: This variant is considered benign. This variant is intronic and is not expected to impact mRNA splicing. This variant is strongly associated with less severe personal and family histories of cancer, typical for individuals without pathogenic variants in this gene [PMID: 25085752].

Labcorp Genetics (formerly Invitae), Labcorp
Classification: Likely benign for Hereditary breast ovarian cancer syndrome. Last evaluated: 2025-06-16. Review status: criteria provided, single submitter. Criteria: Invitae Variant Classification Sherloc (09022015). Collection method: clinical testing. Allele origin: germline.

Women's Health and Genetics/Laboratory Corporation of America, LabCorp
Classification: Likely benign. Last evaluated: 2025-04-21. Review status: criteria provided, single submitter. Criteria: LabCorp Variant Classification Summary - May 2015. Collection method: clinical testing. Allele origin: germline.
Comment: Variant summary: BRCA2 c.67+8C>A alters a non-conserved nucleotide located at a position not widely known to affect splicing. Consensus agreement among computation tools predict no significant impact on normal splicing. However, these predictions have yet to be confirmed by functional studies. The variant allele was found at a frequency of 4e-06 in 249958 control chromosomes. The available data on variant occurrences in the general population are insufficient to allow any conclusion about variant significance. c.67+8C>A has been observed in individual(s) affected with Hereditary Breast And Ovarian Cancer Syndrome (Azzollini_2016). These report(s) do not provide unequivocal conclusions about association of the variant with Hereditary Breast And Ovarian Cancer Syndrome. To our knowledge, no experimental evidence demonstrating an impact on protein function has been reported. The following publication has been ascertained in the context of this evaluation (PMID: 27062684). ClinVar contains an entry for this variant (Variation ID: 531536). Based on the evidence outlined above, the variant was classified as likely benign.

Quest Diagnostics Nichols Institute San Juan Capistrano
Classification: Likely benign. Last evaluated: 2025-03-03. Review status: criteria provided, single submitter. Criteria: Quest Diagnostics criteria. Collection method: clinical testing. Allele origin: unknown.

Color Diagnostics, LLC DBA Color Health
Classification: Likely benign for Hereditary cancer-predisposing syndrome. Last evaluated: 2018-07-31. Review status: criteria provided, single submitter. Criteria: ACMG Guidelines, 2015. Collection method: clinical testing. Allele origin: germline.

Literature cited by the submitters: PubMed 25085752 (cited by Myriad Genetics, Inc.); PubMed 27062684 (cited by Women's Health and Genetics/Laboratory Corporation of America, LabCorp).